The following is an entry in ClinVar:

NM_001378454.1(ALMS1):c.10883G>C (p.Arg3628Pro)

Gene: ALMS1 (ALMS1 centrosome and basal body associated protein; plus strand). Cytogenetic location: 2p13.1.
Variant type: single nucleotide variant.
Coding change: c.10883G>C on transcript NM_001378454.1 (MANE Select); coding-DNA position 10883, G replaced by C.
Protein change: p.Arg3628Pro; replaces arginine 3628 with proline.
Molecular consequence: missense variant.
Genome position (GRCh38, 1-based): chr2:73,572,760, G>C. VCF-style: chr2-73572760-G-C. GRCh37 (hg19) VCF-style: chr2-73799887-G-C.
Other names: c.10886G>C, p.Arg3629Pro (NM_015120.4); short protein forms R3628P, R3629P.
Identifiers: ClinVar variation 1788075 (VCV001788075.2), dbSNP rs763549947, ClinGen allele CA347286014.

ClinVar aggregate classification (germline): Uncertain significance (1 of 4 stars; one submission).

Conditions:
Cardiovascular phenotype. Identifiers: MedGen CN230736.

Submission:

Ambry Genetics
Classification: Uncertain significance for Cardiovascular phenotype. Last evaluated: 2020-05-11. Review status: criteria provided, single submitter. Criteria: Ambry Variant Classification Scheme 2023. Collection method: clinical testing. Allele origin: germline.
Comment: The p.R3629P variant (also known as c.10886G>C), located in coding exon 16 of the ALMS1 gene, results from a G to C substitution at nucleotide position 10886. The arginine at codon 3629 is replaced by proline, an amino acid with dissimilar properties. This amino acid position is highly conserved in available vertebrate species. In addition, this alteration is predicted to be deleterious by in silico analysis. Since supporting evidence is limited at this time, the clinical significance of this alteration remains unclear.